The following is an entry in ClinVar:

ClinVar aggregate classification (germline): Uncertain significance. Review status: criteria provided, multiple submitters, no conflicts (2 of 4 stars). 2 submissions from 2 submitters: Uncertain significance (2). Last evaluated 2024-05-26.

Allele frequency attached by ClinVar (database versions not stated): ExAC 0.00001; gnomAD exomes 0.00002; gnomAD 0.00003; TOPMed 0.00003; ESP Exome Variant Server 0.00008.
gnomAD v4.1: 24 of 1,613,926 alleles (0.0015%); highest among the groups gnomAD compares: African/African-American, 0.0093%; no homozygotes.

Submissions (2):

Labcorp Genetics (formerly Invitae), Labcorp
Classification: Uncertain significance. Last evaluated: 2024-05-26. Review status: criteria provided, single submitter. Criteria: Invitae Variant Classification Sherloc (09022015). Collection method: clinical testing. Allele origin: germline.
Comment: This sequence change replaces arginine, which is basic and polar, with cysteine, which is neutral and slightly polar, at codon 677 of the TFRC protein (p.Arg677Cys). This variant is present in population databases (rs148008500, gnomAD 0.02%). This variant has not been reported in the literature in individuals affected with TFRC-related conditions. ClinVar contains an entry for this variant (Variation ID: 1515459). Advanced modeling of protein sequence and biophysical properties (such as structural, functional, and spatial information, amino acid conservation, physicochemical variation, residue mobility, and thermodynamic stability) performed at Invitae indicates that this missense variant is expected to disrupt TFRC protein function with a positive predictive value of 80%. In summary, the available evidence is currently insufficient to determine the role of this variant in disease. Therefore, it has been classified as a Variant of Uncertain Significance.

Blueprint Genetics
Classification: Uncertain significance. Last evaluated: 2023-07-25. Review status: criteria provided, single submitter. Criteria: ACMG Guidelines, 2015. Collection method: clinical testing. Allele origin: germline.

NM_001128148.3(TFRC):c.2029C>T (p.Arg677Cys)

Gene: TFRC (transferrin receptor; minus strand). Cytogenetic location: 3q29.
Variant type: single nucleotide variant.
Coding change: c.2029C>T on transcript NM_001128148.3 (MANE Select); coding-DNA position 2029, C replaced by T.
Protein change: p.Arg677Cys; replaces arginine 677 with cysteine.
Molecular consequence: missense variant.
Genome position (GRCh38, 1-based): chr3:196,053,429, G>A on the plus strand (C>T on the coding strand, the complement: TFRC is on the minus strand). VCF-style: chr3-196053429-G-A. GRCh37 (hg19) VCF-style: chr3-195780300-G-A.
Other names: c.1786C>T, p.Arg596Cys (NM_001313965.2); c.1183C>T, p.Arg395Cys (NM_001313966.2); c.2029C>T, p.Arg677Cys (NM_003234.4); short protein forms R395C, R596C, R677C.
Identifiers: ClinVar variation 1515459 (VCV001515459.7), dbSNP rs148008500, ClinGen allele CA2777741.